The following is an entry in ClinVar:

ClinVar aggregate classification (germline): Uncertain significance. Review status: criteria provided, multiple submitters, no conflicts (2 of 4 stars). 2 submissions from 2 submitters: Uncertain significance (2). Last evaluated 2022-09-02.

Conditions:
Cardiovascular phenotype. Identifiers: MedGen CN230736.
Long QT syndrome (LQTS). Identifiers: MedGen C0023976, MeSH D008133, MONDO:0002442. Disease mechanism: loss of function. Inheritance: Various modes of inheritance.

gnomAD v4.1: 1 of 1,614,110 alleles (0.000062%); highest among the groups gnomAD compares: Non-Finnish European, 0.000085%; no homozygotes.

Submissions (2):

Ambry Genetics
Classification: Uncertain significance for Cardiovascular phenotype. Last evaluated: 2022-09-02. Review status: criteria provided, single submitter. Criteria: Ambry Variant Classification Scheme 2023. Collection method: clinical testing. Allele origin: germline.
Comment: The p.A2348T variant (also known as c.7042G>A), located in coding exon 38 of the ANK2 gene, results from a G to A substitution at nucleotide position 7042. The alanine at codon 2348 is replaced by threonine, an amino acid with similar properties. This amino acid position is conserved. In addition, this alteration is predicted to be tolerated by in silico analysis. Since supporting evidence is limited at this time, the clinical significance of this alteration remains unclear.

Labcorp Genetics (formerly Invitae), Labcorp
Classification: Uncertain significance for Long QT syndrome. Last evaluated: 2021-01-16. Review status: criteria provided, single submitter. Criteria: Invitae Variant Classification Sherloc (09022015). Collection method: clinical testing. Allele origin: germline.
Comment: This variant is not present in population databases (ExAC no frequency). This variant has not been reported in the literature in individuals with ANK2-related conditions. Algorithms developed to predict the effect of missense changes on protein structure and function output the following: SIFT: "Tolerated"; PolyPhen-2: "Benign"; Align-GVGD: "Class C0". The threonine amino acid residue is found in multiple mammalian species, suggesting that this missense change does not adversely affect protein function. These predictions have not been confirmed by published functional studies and their clinical significance is uncertain. In summary, the available evidence is currently insufficient to determine the role of this variant in disease. Therefore, it has been classified as a Variant of Uncertain Significance. This sequence change replaces alanine with threonine at codon 2348 of the ANK2 protein (p.Ala2348Thr). The alanine residue is weakly conserved and there is a small physicochemical difference between alanine and threonine.

NM_001148.6(ANK2):c.7042G>A (p.Ala2348Thr)

Genes: ANK2 (ankyrin 2; plus strand), LOC126807137 (CDK7 strongly-dependent group 2 enhancer GRCh37_chr4:114276560-114277759; plus strand). Cytogenetic location: 4q26.
Variant type: single nucleotide variant.
Coding change: c.7042G>A on transcript NM_001148.6 (MANE Select); coding-DNA position 7042, G replaced by A.
Protein change: p.Ala2348Thr; replaces alanine 2348 with threonine.
Molecular consequence: missense variant. On other transcripts: intron variant (68).
Genome position (GRCh38, 1-based): chr4:113,355,660, G>A. VCF-style: chr4-113355660-G-A. GRCh37 (hg19) VCF-style: chr4-114276816-G-A.
Other names: c.6808G>A, p.Ala2270Thr (NM_001386142.1); c.3442G>A, p.Ala1148Thr (NM_001386166.1); c.7183G>A, p.Ala2395Thr (NM_001386174.1); c.7159G>A, p.Ala2387Thr (NM_001386175.1); c.4412-5163G>A (NM_001386186.2, NM_001386148.2); c.4214-5163G>A (NM_001354269.3); c.4292-5163G>A (NM_001386187.2); c.4253-5163G>A (NM_001386147.1); and 35 more; short protein forms A1148T, A2395T, A2270T, A2348T, A2387T.
Identifiers: ClinVar variation 1412295 (VCV001412295.10), dbSNP rs1466354397, ClinGen allele CA357929231.